The following is an entry in ClinVar:

NM_000388.4(CASR):c.365C>T (p.Ser122Phe)

Gene: CASR (calcium sensing receptor; plus strand). Cytogenetic location: 3q21.1.
Variant type: single nucleotide variant.
Coding change: c.365C>T on transcript NM_000388.4 (MANE Select); coding-DNA position 365, C replaced by T.
Protein change: p.Ser122Phe; replaces serine 122 with phenylalanine.
Molecular consequence: missense variant.
Genome position (GRCh38, 1-based): chr3:122,257,260, C>T. VCF-style: chr3-122257260-C-T. GRCh37 (hg19) VCF-style: chr3-121976107-C-T.
Other names: c.365C>T, p.Ser122Phe (NM_001178065.2); short protein forms S122F.
Identifiers: ClinVar variation 2053419 (VCV002053419.4), dbSNP rs778201006, ClinGen allele CA354362744.

ClinVar aggregate classification (germline): Uncertain significance (1 of 4 stars; one submission).

Conditions:
Autosomal dominant hypocalcemia 1 (HYPOC1). Also called: HYPOCALCEMIA, FAMILIAL. Identifiers: MedGen C3715128, MONDO:0011013, OMIM 601198.
Familial hypocalciuric hypercalcemia (FHH). Also called: Familial benign hypercalcemia. Identifiers: Orphanet 405, MedGen C1809471, MONDO:0018458.

Submission:

Labcorp Genetics (formerly Invitae), Labcorp
Classification: Uncertain significance for Familial hypocalciuric hypercalcemia; Autosomal dominant hypocalcemia 1. Last evaluated: 2022-04-13. Review status: criteria provided, single submitter. Criteria: Invitae Variant Classification Sherloc (09022015). Collection method: clinical testing. Allele origin: germline.
Comment: This sequence change replaces serine, which is neutral and polar, with phenylalanine, which is neutral and non-polar, at codon 122 of the CASR protein (p.Ser122Phe). This variant has not been reported in the literature in individuals affected with CASR-related conditions. This variant is not present in population databases (gnomAD no frequency). In summary, the available evidence is currently insufficient to determine the role of this variant in disease. Therefore, it has been classified as a Variant of Uncertain Significance. Algorithms developed to predict the effect of missense changes on protein structure and function (SIFT, PolyPhen-2, Align-GVGD) all suggest that this variant is likely to be disruptive.